The following is an entry in ClinVar:

NM_052947.4(ALPK2):c.5038T>C (p.Cys1680Arg)

Genes: ALPK2 (alpha kinase 2; minus strand), LOC130062577 (ATAC-STARR-seq lymphoblastoid active region 13389; plus strand). Cytogenetic location: 18q21.31.
Variant type: single nucleotide variant.
Coding change: c.5038T>C on transcript NM_052947.4 (MANE Select); coding-DNA position 5038, T replaced by C.
Protein change: p.Cys1680Arg; replaces cysteine 1680 with arginine.
Molecular consequence: missense variant.
Genome position (GRCh38, 1-based): chr18:58,535,149, A>G on the plus strand (T>C on the coding strand, the complement: ALPK2 is on the minus strand). VCF-style: chr18-58535149-A-G. GRCh37 (hg19) VCF-style: chr18-56202381-A-G.
Other names: short protein forms C1680R.
Identifiers: ClinVar variation 2625984 (VCV002625984.2), dbSNP rs373354784, ClinGen allele CA8976592.
Genomic context (GRCh38, chr18:58,535,149, plus strand): 5'-CTGGCGATTTGCCTGCTCGGGCTTCCAGGGACTTCTCTCTCTCCCTGGACTTTTTCGCAC[A>G]GCCCAGGGTGCCCTTTTGACATGGATCCTGCAGTAATTTAGGGGCTTTCTCTAACTCACG-3'
Protein context (NP_443179.3, residues 1670-1690): QDPCQKGTLG[Cys1680Arg]AKKSREREKS

ClinVar aggregate classification (germline): Uncertain significance (1 of 4 stars; one submission).

Allele frequency attached by ClinVar (database versions not stated): ExAC 0.00002.
gnomAD v4.1: 3 of 1,614,110 alleles (0.00019%); highest among the groups gnomAD compares: Non-Finnish European, 0.00025%; no homozygotes.

Submission:

Ambry Genetics
Classification: Uncertain significance. Last evaluated: 2023-07-03. Review status: criteria provided, single submitter. Criteria: Ambry Variant Classification Scheme 2023. Collection method: clinical testing. Allele origin: germline.
Comment: The p.C1680R variant (also known as c.5038T>C), located in coding exon 4 of the ALPK2 gene, results from a T to C substitution at nucleotide position 5038. The cysteine at codon 1680 is replaced by arginine, an amino acid with highly dissimilar properties. This amino acid position is conserved. In addition, this alteration is predicted to be tolerated by in silico analysis. Since supporting evidence is limited at this time, the clinical significance of this alteration remains unclear.